The following is an entry in ClinVar:

ClinVar aggregate classification (germline): Pathogenic. Review status: criteria provided, single submitter (1 of 4 stars). 2 submissions from 2 submitters: Pathogenic (1). 1 of the submissions does not count toward it. Last evaluated 2025-09-30.

Conditions:
Complement component 3 deficiency. Identifiers: Orphanet 280133, MedGen C3151071, MONDO:0013417, OMIM 613779.
C3 DEFICIENCY. Identifiers: MedGen C1332655.

Allele frequency attached by ClinVar (database versions not stated): gnomAD exomes below 0.00001 and 0.00001.
gnomAD v4.1: 9 of 1,604,982 alleles (0.00056%); highest among the groups gnomAD compares: Non-Finnish European, 0.00077%; no homozygotes.

Submissions (2):

Genomenon, Inc
Classification: Pathogenic for Complement component 3 deficiency. Last evaluated: 2025-09-30. Review status: criteria provided, single submitter. Criteria: Genomenon Sequence Variant Interpretation Standards. Collection method: curation. Allele origin: germline. Affected: yes.
Comment: C3 c.2354+1G>A is a canonical splice variant located in the donor splice region of intron 18. This variant has been observed in at least one proband affected with C3 deficiency (PMID:2212005). At least one splicing study identified that this variant results in aberrant splicing (PMID:2212005). It is absent or not present at a significant frequency in gnomAD. In conclusion, we classify C3 c.2354+1G>A as a pathogenic variant.

OMIM
Classification: Pathogenic for C3 DEFICIENCY. Last evaluated: 1990-10-01. Review status: no assertion criteria provided. Collection method: literature only. Allele origin: germline. Not counted in ClinVar's aggregate classification.

Literature cited by the submitters: PubMed 2212005 (cited by Genomenon, Inc); PubMed 1976733 (cited by OMIM).

NM_000064.4(C3):c.2354+1G>A

Gene: C3 (complement C3; minus strand). Cytogenetic location: 19p13.3.
Variant type: single nucleotide variant.
Coding change: c.2354+1G>A on transcript NM_000064.4 (MANE Select); the canonical splice donor site of the intron after coding-DNA position 2354, G replaced by A.
Molecular consequence: splice donor variant.
Genome position (GRCh38, 1-based): chr19:6,702,470, C>T on the plus strand (G>A on the coding strand, the complement: C3 is on the minus strand). VCF-style: chr19-6702470-C-T. GRCh37 (hg19) VCF-style: chr19-6702481-C-T.
Other names: C3, 61-BP DEL, EX18.
Identifiers: ClinVar variation 17058 (VCV000017058.2), dbSNP rs112996548, ClinGen allele CA304789042.